The following is an entry in ClinVar:

ClinVar aggregate classification (germline): Uncertain significance (1 of 4 stars; one submission).

Conditions:
Hereditary cancer-predisposing syndrome. Also called: Tumor predisposition; Hereditary Cancer Syndrome; Hereditary neoplastic syndrome; Neoplastic Syndromes, Hereditary. Identifiers: Orphanet 140162, MedGen C0027672, MeSH D009386, MONDO:0015356.

gnomAD v4.1: 5 of 1,613,688 alleles (0.00031%); highest among the groups gnomAD compares: South Asian, 0.0033%; no homozygotes.

Submission:

Ambry Genetics
Classification: Uncertain significance for Hereditary cancer-predisposing syndrome. Last evaluated: 2024-04-19. Review status: criteria provided, single submitter. Criteria: Ambry Variant Classification Scheme 2023. Collection method: clinical testing. Allele origin: germline.
Comment: The p.R177C variant (also known as c.529C>T), located in coding exon 1 of the GREM1 gene, results from a C to T substitution at nucleotide position 529. The arginine at codon 177 is replaced by cysteine, an amino acid with highly dissimilar properties. This amino acid position is conserved. In addition, the in silico prediction for this alteration is inconclusive. Based on the available evidence, the clinical significance of this variant remains unclear.

NM_013372.7(GREM1):c.529C>T (p.Arg177Cys)

Gene: GREM1 (gremlin 1, DAN family BMP antagonist; plus strand). Cytogenetic location: 15q13.3.
Variant type: single nucleotide variant.
Coding change: c.529C>T on transcript NM_013372.7 (MANE Select); coding-DNA position 529, C replaced by T.
Protein change: p.Arg177Cys; replaces arginine 177 with cysteine.
Molecular consequence: missense variant.
Genome position (GRCh38, 1-based): chr15:32,731,219, C>T. VCF-style: chr15-32731219-C-T. GRCh37 (hg19) VCF-style: chr15-33023420-C-T.
Other names: c.319C>T, p.Arg107Cys (NM_001191322.2); c.406C>T, p.Arg136Cys (NM_001191323.2); c.529C>T, p.Arg177Cys (NM_001368719.1); short protein forms R177C, R107C, R136C.
Identifiers: ClinVar variation 3282650 (VCV003282650.1).